The following is an entry in ClinVar:

ClinVar aggregate classification (germline): Uncertain significance (1 of 4 stars; one submission).

Conditions:
Congenital myasthenic syndrome 20. Also called: Myasthenic syndrome, congenital, 20, presynaptic. Identifiers: MedGen C4310694, MONDO:0014939, OMIM 617143.
Neuronopathy, distal hereditary motor, type 7A. Also called: HARPER-YOUNG MYOPATHY; HMN VIIA; Neuronopathy, distal hereditary motor, type viia; NEURONOPATHY, DISTAL HEREDITARY MOTOR, HARDING TYPE VIIA; NEUROPATHY, DISTAL HEREDITARY MOTOR, HARDING TYPE VIIA; SPINAL MUSCULAR ATROPHY, DISTAL, WITH VOCAL CORD PARALYSIS. Identifiers: Orphanet 139589, MedGen C1834703, MONDO:0008024, OMIM 158580.

Submission:

Labcorp Genetics (formerly Invitae), Labcorp
Classification: Uncertain significance for Neuronopathy, distal hereditary motor, type 7A; Congenital myasthenic syndrome 20. Last evaluated: 2022-08-16. Review status: criteria provided, single submitter. Criteria: Invitae Variant Classification Sherloc (09022015). Collection method: clinical testing. Allele origin: germline.
Comment: This sequence change replaces tyrosine, which is neutral and polar, with histidine, which is basic and polar, at codon 453 of the SLC5A7 protein (p.Tyr453His). This variant is not present in population databases (gnomAD no frequency). This variant has not been reported in the literature in individuals affected with SLC5A7-related conditions. ClinVar contains an entry for this variant (Variation ID: 1024758). Algorithms developed to predict the effect of missense changes on protein structure and function are either unavailable or do not agree on the potential impact of this missense change (SIFT: "Deleterious"; PolyPhen-2: "Benign"; Align-GVGD: "Class C25"). In summary, the available evidence is currently insufficient to determine the role of this variant in disease. Therefore, it has been classified as a Variant of Uncertain Significance.

NM_021815.5(SLC5A7):c.1357T>C (p.Tyr453His)

Gene: SLC5A7 (solute carrier family 5 member 7; plus strand). Cytogenetic location: 2q12.3.
Variant type: single nucleotide variant.
Coding change: c.1357T>C on transcript NM_021815.5 (MANE Select); coding-DNA position 1357, T replaced by C.
Protein change: p.Tyr453His; replaces tyrosine 453 with histidine.
Molecular consequence: missense variant.
Genome position (GRCh38, 1-based): chr2:108,010,475, T>C. VCF-style: chr2-108010475-T-C. GRCh37 (hg19) VCF-style: chr2-108626931-T-C.
Other names: c.1357T>C, p.Tyr453His (NM_001305005.3); c.1042T>C, p.Tyr348His (NM_001305006.3); c.616T>C, p.Tyr206His (NM_001305007.3); short protein forms Y206H, Y348H, Y453H.
Identifiers: ClinVar variation 1024758 (VCV001024758.5), dbSNP rs1678278823, ClinGen allele CA348114393.